The following is an entry in ClinVar:

ClinVar aggregate classification (germline): Likely pathogenic. Review status: reviewed by expert panel (3 of 4 stars). 12 submissions from 12 submitters: Likely pathogenic (1). 11 of the submissions do not count toward it. Last evaluated 2019-06-21.

Conditions:
Mismatch repair cancer syndrome 4. Identifiers: MedGen C5436817, MONDO:0030843, OMIM 619101.
Hereditary nonpolyposis colorectal neoplasms. Identifiers: MedGen C0009405, MeSH D003123.
Hereditary cancer-predisposing syndrome. Also called: Hereditary Cancer Syndrome; Tumor predisposition; Neoplastic Syndromes, Hereditary; Hereditary neoplastic syndrome. Identifiers: Orphanet 140162, MedGen C0027672, MeSH D009386, MONDO:0015356.
Lynch syndrome. Identifiers: Orphanet 144, MedGen C4552100, MONDO:0005835. Disease mechanism: loss of function.
Lynch syndrome 4 (LYNCH4). Also called: Colorectal cancer, hereditary nonpolyposis, type 4; Hereditary non-polyposis colorectal cancer, type 4. Identifiers: Orphanet 144, MedGen C1838333, MONDO:0013699, OMIM 614337. Disease mechanism: loss of function.

Submissions 1 to 10 of 13:

International Society for Gastrointestinal Hereditary Tumours (InSiGHT)
Classification: Likely pathogenic for Lynch syndrome. Last evaluated: 2019-06-21. Review status: reviewed by expert panel. Criteria: Guidelines v2.4. Collection method: curation. Allele origin: germline. Affected: yes.
Comment: Interrupts canonical donor splice site

CeGaT Center for Human Genetics Tuebingen
Classification: Likely pathogenic. Last evaluated: 2025-12-01. Review status: criteria provided, single submitter. Criteria: CeGaT Center For Human Genetics Tuebingen Variant Classification Criteria Version 2. Collection method: clinical testing. Allele origin: germline. Affected: yes. Observed: 1 variant allele. Not counted in ClinVar's aggregate classification.
Comment: PMS2: PVS1:Strong, PM2, PS4:Moderate

Labcorp Genetics (formerly Invitae), Labcorp
Classification: Pathogenic for Hereditary nonpolyposis colorectal neoplasms. Last evaluated: 2025-08-11. Review status: criteria provided, single submitter. Criteria: Invitae Variant Classification Sherloc (09022015). Collection method: clinical testing. Allele origin: germline. Not counted in ClinVar's aggregate classification.
Comment: This sequence change affects an acceptor splice site in intron 9 of the PMS2 gene. RNA analysis indicates that disruption of this splice site induces altered splicing and likely results in a shortened protein product. This variant is not present in population databases (gnomAD no frequency). Disruption of this splice site has been observed in individual(s) with Lynch syndrome (PMID: 23709753, 26110232, 30306255, 31992580). ClinVar contains an entry for this variant (Variation ID: 91386). Studies have shown that disruption of this splice site results in skipping of exon 10, but is expected to preserve the integrity of the reading-frame (PMID: 23709753, 26247049, 30306255; internal data). For these reasons, this variant has been classified as Pathogenic.

GeneDx
Classification: Pathogenic. Last evaluated: 2025-07-10. Review status: criteria provided, single submitter. Criteria: GeneDx Variant Classification Process June 2021. Collection method: clinical testing. Allele origin: germline. Affected: yes. Not counted in ClinVar's aggregate classification.
Comment: Not observed at significant frequency in large population cohorts (gnomAD); In silico analysis supports a deleterious effect on splicing; Observed as apparently homozygous in a minor with glioblastoma (PMID: 34308366) and as heterozygous in individuals with colorectal, endometrial, and other cancers (PMID: 23709753, 30306255, 31992580, 33693762); This variant is associated with the following publications: (PMID: 24362816, 23709753, 26247049, 26110232, 25512458, 21376568, 30306255, 33693762, 31992580, 34308366, 11574484)

Center for Genomic Medicine, Rigshospitalet, Copenhagen University Hospital
Classification: Pathogenic. Last evaluated: 2025-03-04. Review status: criteria provided, single submitter. Criteria: ACMG Guidelines, 2015. Collection method: clinical testing. Allele origin: germline. Not counted in ClinVar's aggregate classification.

Molecular Diagnostics Laboratory, Catalan Institute of Oncology
Classification: Pathogenic for Hereditary cancer-predisposing syndrome. Last evaluated: 2025-02-18. Review status: criteria provided, single submitter. Criteria: MMR VCEP Paper Draft V3.1. Collection method: clinical testing. Allele origin: germline. Not counted in ClinVar's aggregate classification.
Comment: PVS1_Strong, PM2_Supporting, PP4_Strong, PP1 c.989-2A>G, located in a canonic splicing site of the PMS2, is predicted to alter splicing and an RNA analysis with NMD-inhibition performed in lymphocytes from a carrier patient showed the in-frame exon skipping of exon 9, preserving the reading frame (r.989_1144del; p.Glu330_Gly381del) (PMID: 23709753) (PVS1_strong). It is not present in the population database gnomAD v2.1.1, non cancer dataset (PM2_supporting). PMS2 c.989-2A>G has been reported in at least four CRC or endometrial MSI-H tumors with loss of MMR protein expression consistent with the variant location (PMID: 23709753, 31992580, and internal data) (PP4_Strong). The variant cosegregates with the disease in 2 individuals from the same family (internal data; PP1). In addition, the variant was also identified in the following databases: InSiGHT (Class 4: likely pathogenic), ClinVar (3x likely pathogenic, 7x pathogenic) and LOVD (2x likely pathogenic). Based on the currently available information, c.989-2A>G is classified as a likely pathogenic variant according to ClinGen-MMR Guidelines Draft version 3.1.

Ambry Genetics
Classification: Pathogenic for Hereditary cancer-predisposing syndrome. Last evaluated: 2024-12-31. Review status: criteria provided, single submitter. Criteria: Ambry Variant Classification Scheme 2023. Collection method: clinical testing. Allele origin: germline. Not counted in ClinVar's aggregate classification.
Comment: The c.989-2A>G intronic pathogenic mutation results from an A to G substitution two nucleotides upstream from coding exon 10 in the PMS2 gene. This variant has been identified in a proband(s) whose Lynch syndrome-associated tumor demonstrated high microsatellite instability and loss of PMS2 expression by immunohistochemistry (IHC) (Ambry internal data; Borras E et al. J Med Genet. 2013 Aug;50(8):552-63; Wang Q et al. J Med Genet 2020 07;57(7):487-499). Alterations that disrupt the canonical splice site are expected to result in aberrant splicing. In silico splice site analysis predicts that this alteration will weaken the native splice donor site and RNA studies have demonstrated that this alteration results in abnormal splicing (Ambry internal data; Borras E et al. J Med Genet. 2013 Aug;50(8):552-63; van der Klift HM et al. Mol Genet Genomic Med. 2015 Jul;3:327-45; Bonache S et al. J. Cancer Res. Clin. Oncol., 2018 Dec;144:2495-2513). The resulting transcript is predicted to be in-frame and is not expected to trigger nonsense-mediated mRNA decay; however, direct evidence is unavailable. The exact functional effect of the missing amino acids is unknown; however, the impacted region is critical for protein function based on identification of genomic coding exon 10 deletions in Lynch syndrome families with many probands demonstrating isolated loss of PMS2 expression in their tumors by IHC (van der Klift H et al. Genes Chromosomes Cancer. 2005 Oct;44:123-38; Senter L et al. Gastroenterology. 2008 Aug;135:419-428; Vaughn CP et al. Hum. Mutat. 2010 May;31:588-93; Tomsic J et al. Clin. Genet. 2013 Mar;83:238-43; Brea-Fernandez AJ et al. Clin. Genet. 2014 Jun;85:583-8; Rosty C et al. BMJ Open. 2016 Feb;6:e010293). This variant is considered to be rare based on population cohorts in the Genome Aggregation Database (gnomAD). Based on the supporting evidence, this alteration is interpreted as a disease-causing mutation.

Baylor Genetics
Classification: Pathogenic for Lynch syndrome 4. Last evaluated: 2024-02-06. Review status: criteria provided, single submitter. Criteria: ACMG Guidelines, 2015. Collection method: clinical testing. Allele origin: unknown. Not counted in ClinVar's aggregate classification.

Color Diagnostics, LLC DBA Color Health
Classification: Pathogenic for Hereditary cancer-predisposing syndrome. Last evaluated: 2023-05-30. Review status: criteria provided, single submitter. Criteria: ACMG Guidelines, 2015. Collection method: clinical testing. Allele origin: germline. Not counted in ClinVar's aggregate classification.
Comment: This variant causes an A to G nucleotide substitution at the -2 position of intron 9 of the PMS2 gene. RNA studies have shown that this variant causes the in-frame skipping of exon 10, resulting in the deletion of the C-terminal ATPase domain (PMID: 23709753, 26247049, 30306255). This variant has been detected in two Spanish families, one of which met Lynch syndrome criteria and the other did not (PMID: 23709753, 30306255) and an individual affected with mismatch repair-deficient endometrial cancer (PMID: 33693762). A different variant, c.989-1G>T, causing the same splicing defect is known to be pathogenic (ClinVar variation ID: 127802). This variant has not been identified in the general population by the Genome Aggregation Database (gnomAD). Loss of PMS2 function is a known mechanism of disease. Based on the available evidence, this variant is classified as Pathogenic.

Quest Diagnostics Nichols Institute San Juan Capistrano
Classification: Pathogenic. Last evaluated: 2023-01-24. Review status: criteria provided, single submitter. Criteria: Quest Diagnostics criteria. Collection method: clinical testing. Allele origin: unknown. Not counted in ClinVar's aggregate classification.
Comment: This variant disrupts a canonical splice-acceptor site and interferes with normal PMS2 mRNA splicing. This variant has not been reported in large, multi-ethnic general populations. In the published literature, the variant has been reported in individuals with colorectal cancer (CRC) (PMIDs: 31992580 (2020), 23709753 (2013)), breast cancer (BC) (PMID: 30306255 (2018)), endometrial cancer (PMIDs: 33693762 (2021), 31992580 (2020)), bowel cancer (PMID: 31992580 (2020)), and glioblastoma multiforme (PMID: 34308366 (2021)). Functional analysis has demonstrated that this variant causes aberrant splicing and skipping of PMS2 exon 10 (PMIDs: 26247049 (2015), 23709753 (2013)). Based on the available information, this variant is classified as pathogenic.

NM_000535.7(PMS2):c.989-2A>G

Gene: PMS2 (PMS1 homolog 2, mismatch repair system component; minus strand). Cytogenetic location: 7p22.1.
Variant type: single nucleotide variant.
Coding change: c.989-2A>G on transcript NM_000535.7 (MANE Select); the canonical splice acceptor site of the intron before coding-DNA position 989, A replaced by G.
Molecular consequence: splice acceptor variant. On other transcripts: intron variant (10).
Genome position (GRCh38, 1-based): chr7:5,989,957, T>C on the plus strand (A>G on the coding strand, the complement: PMS2 is on the minus strand). VCF-style: chr7-5989957-T-C. GRCh37 (hg19) VCF-style: chr7-6029588-T-C.
Other names: c.671-2A>G (NM_001322008.2, NM_001406903.1, NM_001406883.1 and 2 more transcripts); c.680-2A>G (NM_001406881.1, NM_001406879.1, NM_001406880.1 and 5 more transcripts); c.584-2A>G (NM_001406895.1, NM_001322004.2, NM_001406889.1 and 16 more transcripts); c.218-2A>G (NM_001406911.1); c.583+2016A>G (NM_001322010.2, NM_001406907.1, NM_001406906.1); c.653-2A>G (NM_001406885.1); c.670+2016A>G (NM_001406901.1, NM_001406902.1); c.476-2A>G (NM_001406904.1, NM_001406905.1); and 13 more.
Identifiers: ClinVar variation 91386 (VCV000091386.39), dbSNP rs587779347, ClinGen allele CA013438.